The following is an entry in ClinVar:

ClinVar aggregate classification (germline): Benign (1 of 4 stars; one submission).

Conditions:
Arterial tortuosity syndrome (ATORS). Identifiers: Orphanet 3342, MedGen C1859726, MONDO:0008818, OMIM 208050.

Allele frequency attached by ClinVar (database versions not stated): gnomAD exomes 0.00034; gnomAD 0.00693 and 0.00743; 1000 Genomes Project 30x 0.00750; TOPMed 0.00762; 1000 Genomes Project 0.00799.
gnomAD v4.1: 1,053 of 186,540 alleles (0.56%); highest among the groups gnomAD compares: African/African-American, 2.4%; 11 homozygotes.

Submission:

Illumina Laboratory Services, Illumina
Classification: Benign for Arterial tortuosity syndrome. Last evaluated: 2018-01-13. Review status: criteria provided, single submitter. Criteria: ICSL Variant Classification Criteria 13 December 2019. Collection method: clinical testing. Allele origin: germline.
Comment: This variant was observed in the ICSL laboratory as part of a predisposition screen in an ostensibly healthy population. It had not been previously curated by ICSL or reported in the Human Gene Mutation Database (HGMD: prior to June 1st, 2018), and was therefore a candidate for classification through an automated scoring system. Utilizing variant allele frequency, disease prevalence and penetrance estimates, and inheritance mode, an automated score was calculated to assess if this variant is too frequent to cause the disease. Based on the score and internal cut-off values, a variant classified as benign is not then subjected to further curation. The score for this variant resulted in a classification of benign for this disease.

NM_030777.4(SLC2A10):c.*513T>C

Gene: SLC2A10 (solute carrier family 2 member 10; plus strand). Cytogenetic location: 20q13.12.
Variant type: single nucleotide variant.
Coding change: c.*513T>C on transcript NM_030777.4 (MANE Select); 513 bases downstream of the stop codon, T replaced by C.
Molecular consequence: 3 prime UTR variant.
Genome position (GRCh38, 1-based): chr20:46,734,347, T>C. VCF-style: chr20-46734347-T-C. GRCh37 (hg19) VCF-style: chr20-45362986-T-C.
Identifiers: ClinVar variation 338614 (VCV000338614.5), dbSNP rs111352987, ClinGen allele CA10649803.